The following is an entry in ClinVar:

ClinVar aggregate classification (germline): Uncertain significance. Review status: criteria provided, multiple submitters, no conflicts (2 of 4 stars). 2 submissions from 2 submitters: Uncertain significance (2). Last evaluated 2025-12-15.

Allele frequency attached by ClinVar (database versions not stated): gnomAD exomes below 0.00001; TOPMed below 0.00001.
gnomAD v4.1: 9 of 1,613,716 alleles (0.00056%); highest among the groups gnomAD compares: Admixed American, 0.0083%; no homozygotes.

Submissions (2):

Labcorp Genetics (formerly Invitae), Labcorp
Classification: Uncertain significance. Last evaluated: 2025-12-15. Review status: criteria provided, single submitter. Criteria: Invitae Variant Classification Sherloc (09022015). Collection method: clinical testing. Allele origin: germline.
Comment: This sequence change replaces valine, which is neutral and non-polar, with aspartic acid, which is acidic and polar, at codon 271 of the MYLK3 protein (p.Val271Asp). This variant is not present in population databases (gnomAD no frequency). This variant has not been reported in the literature in individuals affected with MYLK3-related conditions. ClinVar contains an entry for this variant (Variation ID: 1351543). An algorithm developed to predict the effect of missense changes on protein structure and function (PolyPhen-2) suggests that this variant is likely to be tolerated. In summary, the available evidence is currently insufficient to determine the role of this variant in disease. Therefore, it has been classified as a Variant of Uncertain Significance.

Ambry Genetics
Classification: Uncertain significance. Last evaluated: 2025-07-15. Review status: criteria provided, single submitter. Criteria: Ambry Variant Classification Scheme 2023. Collection method: clinical testing. Allele origin: germline.

NM_182493.3(MYLK3):c.812T>A (p.Val271Asp)

Gene: MYLK3 (myosin light chain kinase 3; minus strand). Cytogenetic location: 16q11.2.
Variant type: single nucleotide variant.
Coding change: c.812T>A on transcript NM_182493.3 (MANE Select); coding-DNA position 812, T replaced by A.
Protein change: p.Val271Asp; replaces valine 271 with aspartic acid.
Molecular consequence: missense variant. On other transcripts: intron variant (1).
Genome position (GRCh38, 1-based): chr16:46,737,900, A>T on the plus strand (T>A on the coding strand, the complement: MYLK3 is on the minus strand). VCF-style: chr16-46737900-A-T. GRCh37 (hg19) VCF-style: chr16-46771812-A-T.
Other names: c.-23+2157T>A (NM_001308301.1); c.812T>A (NM_182493.2); short protein forms V271D.
Identifiers: ClinVar variation 1351543 (VCV001351543.7), dbSNP rs942717439, ClinGen allele CA280235901.